The following is an entry in ClinVar:

ClinVar aggregate classification (germline): Uncertain significance. Review status: criteria provided, multiple submitters, no conflicts (2 of 4 stars). 12 submissions from 10 submitters: Uncertain significance (9). 3 of the submissions do not count toward it. Last evaluated 2026-03-09.

Conditions:
CFTR-related disorder (CFTR-RD). Also called: CFTR-related disorders; CFTR-related condition. Identifiers: MedGen C5924204, MONDO:7770004.
Bronchiectasis with or without elevated sweat chloride 1 (BESC1). Also called: Cystic Fibrosis-Like Syndrome. Identifiers: Orphanet 60033, MedGen C2749757, MONDO:0008887, OMIM 211400.
Hereditary pancreatitis (PCTT). Also called: Hereditary chronic pancreatitis; PRSS1-Related Hereditary Pancreatitis. Identifiers: Orphanet 676, MedGen C0238339, MONDO:0008185, OMIM 167800.
Cystic fibrosis (CF). Also called: MUCOVISCIDOSIS. Identifiers: Orphanet 586, MedGen C0010674, MONDO:0009061, OMIM 219700. Disease mechanism: loss of function.
Congenital bilateral aplasia of vas deferens from CFTR mutation (CBAVD). Identifiers: Orphanet 48, MedGen C0403814, MONDO:0010178, OMIM 277180. Disease mechanism: loss of function.

Allele frequency attached by ClinVar (database versions not stated): TOPMed 0.00004; ESP Exome Variant Server 0.00008.
gnomAD v4.1: 40 of 1,612,454 alleles (0.0025%); highest among the groups gnomAD compares: Admixed American, 0.015%; no homozygotes.

Submissions (12):

Women's Health and Genetics/Laboratory Corporation of America, LabCorp
Classification: Uncertain significance. Last evaluated: 2026-03-09. Review status: criteria provided, single submitter. Criteria: LabCorp Variant Classification Summary - May 2015. Collection method: clinical testing. Allele origin: germline.
Comment: Variant summary: CFTR c.92G>A (p.Arg31His) results in a non-conservative amino acid change in the encoded protein sequence. Algorithms developed to predict the effect of missense changes on protein structure and function are either unavailable or do not agree on the potential impact of this missense change. The variant allele was found at a frequency of 5.6e-05 in 250924 control chromosomes. This frequency is not significantly higher than estimated for disease-causing variants in CFTR, allowing no conclusion about variant significance. c.92G>A has been observed in compound heterozygous state in an infant with a second pathogenic variant and elevated Sweat Chloride levels (Sommerburg_2022), and in heterozygous state (i.e. missing second allele) in at-least two individuals affected with chronic bronchitis or chronic pancreatitis (e.g. Nakano_2015, El-Seedy_2016). These data do not allow any conclusion about variant significance. To our knowledge, no experimental evidence demonstrating an impact on protein function has been reported. The following publications have been ascertained in the context of this evaluation (PMID: 28040058, 25492507, 34996830, 34764021). ClinVar contains an entry for this variant (Variation ID: 554829). Based on the evidence outlined above, the variant was classified as uncertain significance.

Ambry Genetics
Classification: Uncertain significance for Cystic fibrosis. Last evaluated: 2025-01-14. Review status: criteria provided, single submitter. Criteria: Ambry Variant Classification Scheme 2023. Collection method: clinical testing. Allele origin: germline.
Comment: The p.R31H variant (also known as c.92G>A), located in coding exon 2 of the CFTR gene, results from a G to A substitution at nucleotide position 92. The arginine at codon 31 is replaced by histidine, an amino acid with highly similar properties. This variant was identified in one individual diagnosed with chronic pancreatitis and one individual with chronic bronchitis; a second CFTR variant was not identified in either individual (Nakano E et al. Dig. Dis. Sci., 2015 May;60:1297-307; El-Seedy A et al. Cell. Mol. Biol. (Noisy-le-grand), 2016 Nov;62:21-28). This amino acid position is not well conserved in available vertebrate species, and histidine is the reference amino acid in other vertebrate species. In addition, the in silico prediction for this alteration is inconclusive. Based on the available evidence, the clinical significance of this variant remains unclear.

ARUP Laboratories, Molecular Genetics and Genomics, ARUP Laboratories
Classification: Uncertain significance. Last evaluated: 2024-03-18. Review status: criteria provided, single submitter. Criteria: ARUP Molecular Germline Variant Investigation Process 2024. Collection method: clinical testing. Allele origin: germline.
Comment: The CFTR c.92G>A; p.Arg31His variant (rs149353983) is reported in the literature in individuals affected with chronic bronchitis or chronic pancreatitis, although a second variant was not detected (El-Seedy 2016, Nakano 2015). This variant is reported in ClinVar (Variation ID: 554829) and is found in the general population with an overall allele frequency of 0.006% (14/250924 alleles) in the Genome Aggregation Database (v2.1.1). Computational analyses are uncertain whether this variant is neutral or deleterious (REVEL: 0.193). Additionally, other variants at this codon (c.91C>T; p.Arg31Cys; c.92G>T p.Arg31Leu) have been reported in individuals with CFTR-related disorders (Bernardino 2000, Gomez-Lira 2001, McCague 2019, Munck 2020) although the clinical significance of these variants is uncertain. Due to limited information, the clinical significance of the p.Arg31His variant is uncertain at this time. References: Bernardino AL et al. Molecular analysis in Brazilian cystic fibrosis patients reveals five novel mutations. Genet Test. 2000;4(1):69-74. PMID: 10794365 El-Seedy A et al. Cystic Fibrosis Transmembrane Conductance Regulator (CFTR) gene mutations in North Egyptian population: implications for the genetic diagnosis in Egypt. Cell Mol Biol (Noisy-le-grand). 2016 Nov 30;62(13):21-28. PMID: 28040058. Gomez-Lira M et al. CFTR and cationic trypsinogen mutations in idiopathic pancreatitis and neonatal hypertrypsinemia. Pancreatology. 2001;1(5):538-42. PMID: 12120234 McCague AF et al. Correlating Cystic Fibrosis Transmembrane Conductance Regulator Function with Clinical Features to Inform Precision Treatment of Cystic Fibrosis. Am J Respir Crit Care Med. 2019 May 1;199(9):1116-1126PMID: 30888834 Munck A et al. Phenotype of children with inconclusive cystic fibrosis diagnosis after newborn screening. Pediatr Pulmonol. 2020 Apr;55(4):918-928. PMID: 31916691. Nakano E et al. Targeted next-generation sequencing effectively analyzed the cystic fibrosis transmembrane conductance regulator gene in pancreatitis. Dig Dis Sci. 2015 May;60(5):1297-307. PMID: 25492507.

Blueprint Genetics
Classification: Uncertain significance. Last evaluated: 2023-08-24. Review status: criteria provided, single submitter. Criteria: ACMG Guidelines, 2015. Collection method: clinical testing. Allele origin: germline.

Labcorp Genetics (formerly Invitae), Labcorp
Classification: Uncertain significance for Cystic fibrosis. Last evaluated: 2022-08-24. Review status: criteria provided, single submitter. Criteria: Invitae Variant Classification Sherloc (09022015). Collection method: clinical testing. Allele origin: germline.
Comment: This sequence change replaces arginine, which is basic and polar, with histidine, which is basic and polar, at codon 31 of the CFTR protein (p.Arg31His). This variant is present in population databases (rs149353983, gnomAD 0.03%). This missense change has been observed in individual(s) with clinical features of cystic fibrosis (PMID: 25492507, 28040058). ClinVar contains an entry for this variant (Variation ID: 554829). Algorithms developed to predict the effect of missense changes on protein structure and function output the following: SIFT: "Tolerated"; PolyPhen-2: "Benign"; Align-GVGD: "Class C0". The histidine amino acid residue is found in multiple mammalian species, which suggests that this missense change does not adversely affect protein function. In summary, the available evidence is currently insufficient to determine the role of this variant in disease. Therefore, it has been classified as a Variant of Uncertain Significance.

Fulgent Genetics
Classification: Uncertain significance for Hereditary pancreatitis; Bronchiectasis with or without elevated sweat chloride 1; Cystic fibrosis; Congenital bilateral aplasia of vas deferens from CFTR mutation. Last evaluated: 2022-04-20. Review status: criteria provided, single submitter. Criteria: ACMG Guidelines, 2015. Collection method: clinical testing. Allele origin: unknown.

Genome-Nilou Lab
Classification: Uncertain significance for Cystic fibrosis. Last evaluated: 2021-07-22. Review status: criteria provided, single submitter. Criteria: ACMG Guidelines, 2015. Collection method: clinical testing. Allele origin: germline. Affected: no.

Genome-Nilou Lab
Classification: Uncertain significance for Congenital bilateral aplasia of vas deferens from CFTR mutation. Last evaluated: 2021-07-22. Review status: criteria provided, single submitter. Criteria: ACMG Guidelines, 2015. Collection method: clinical testing. Allele origin: germline. Affected: no.

Genome Diagnostics Laboratory, The Hospital for Sick Children
Classification: Uncertain significance for Cystic fibrosis. Last evaluated: 2020-02-06. Review status: criteria provided, single submitter. Criteria: ACMG Guidelines, 2015. Collection method: clinical testing. Allele origin: germline.

Genome Diagnostics Laboratory, The Hospital for Sick Children
Classification: Uncertain significance for CFTR-related disorders. Last evaluated: 2020-02-06. Review status: no assertion criteria provided. Collection method: clinical testing. Allele origin: germline. Not counted in ClinVar's aggregate classification.

Natera, Inc.
Classification: Uncertain significance for CFTR-related disorders. Last evaluated: 2018-05-08. Review status: no assertion criteria provided. Collection method: clinical testing. Allele origin: germline. Not counted in ClinVar's aggregate classification.

Counsyl
Classification: Uncertain significance for Cystic fibrosis. Last evaluated: 2017-11-07. Review status: no assertion criteria provided. Collection method: clinical testing. Allele origin: unknown. Not counted in ClinVar's aggregate classification.

Literature cited by the submitters: PubMed 25492507 (cited by 3 submitters); PubMed 28040058 (cited by 3 submitters); PubMed 34996830 (cited by Women's Health and Genetics/Laboratory Corporation of America, LabCorp); PubMed 34764021 (cited by Women's Health and Genetics/Laboratory Corporation of America, LabCorp); PubMed 28408918 (cited by Counsyl).

NM_000492.4(CFTR):c.92G>A (p.Arg31His)

Gene: CFTR (CF transmembrane conductance regulator; plus strand). Cytogenetic location: 7q31.2.
Variant type: single nucleotide variant.
Coding change: c.92G>A on transcript NM_000492.4 (MANE Select); coding-DNA position 92, G replaced by A.
Protein change: p.Arg31His; replaces arginine 31 with histidine.
Molecular consequence: missense variant.
Genome position (GRCh38, 1-based): chr7:117,504,291, G>A. VCF-style: chr7-117504291-G-A. GRCh37 (hg19) VCF-style: chr7-117144345-G-A.
Other names: short protein forms R31H.
Identifiers: ClinVar variation 554829 (VCV000554829.26), dbSNP rs149353983, ClinGen allele CA4450633.